The following is an entry in ClinVar:

NM_001242896.3(DEPDC5):c.3176_3177del (p.Ala1059fs)

Gene: DEPDC5 (DEP domain containing 5, GATOR1 subcomplex subunit; plus strand). Cytogenetic location: 22q12.3.
Variant type: Deletion.
Coding change: c.3176_3177del on transcript NM_001242896.3 (MANE Select); coding-DNA positions 3176 to 3177, 2 bases deleted (CA; older notation c.3176_3177delCA).
Protein change: p.Ala1059fs; shifts the reading frame from alanine 1059.
Molecular consequence: frameshift variant. On other transcripts: non-coding transcript variant (5).
Genome position (GRCh38, 1-based): chr22:31,857,465-31,857,466, CA deleted. VCF-style (leftmost placement, unchanged base first): chr22-31857464-GCA-G. GRCh37 (hg19) VCF-style: chr22-32253450-GCA-G.
Other names: c.3149_3150del, p.Ala1050fs (NM_001136029.4, NM_001369903.1, NM_014662.6); c.2942_2943del, p.Ala981fs (NM_001242897.2, NM_001363854.2, NM_001364319.2); c.3176_3177del, p.Ala1059fs (NM_001363852.2, NM_001364318.2, NM_001364320.2); c.3092_3093del, p.Ala1031fs (NM_001369901.1, NM_001369902.1); short protein forms A1050fs, A1059fs, A981fs, A1031fs.
Identifiers: ClinVar variation 2027496 (VCV002027496.4), dbSNP rs2521233986, ClinGen allele CA2580099618.

ClinVar aggregate classification (germline): Pathogenic (1 of 4 stars; one submission).

Conditions:
Familial focal epilepsy with variable foci (FPEVF). Identifiers: Orphanet 98820, MedGen C1858477, MONDO:0020310.

Submission:

Labcorp Genetics (formerly Invitae), Labcorp
Classification: Pathogenic for Familial focal epilepsy with variable foci. Last evaluated: 2022-08-27. Review status: criteria provided, single submitter. Criteria: Invitae Variant Classification Sherloc (09022015). Collection method: clinical testing. Allele origin: germline.
Comment: For these reasons, this variant has been classified as Pathogenic. This variant has not been reported in the literature in individuals affected with DEPDC5-related conditions. This variant is not present in population databases (gnomAD no frequency). This sequence change creates a premature translational stop signal (p.Ala1059Glyfs*101) in the DEPDC5 gene. It is expected to result in an absent or disrupted protein product. Loss-of-function variants in DEPDC5 are known to be pathogenic (PMID: 23542697, 23542701).

Literature cited by the submitters: PubMed 23542697; PubMed 23542701.